The following is an entry in ClinVar:

NM_004793.4(LONP1):c.727AAG[1] (p.Lys244del)

Gene: LONP1 (lon peptidase 1, mitochondrial; minus strand). Cytogenetic location: 19p13.3.
Variant type: Microsatellite.
Coding change: c.727AAG[1] on transcript NM_004793.4 (MANE Select); one copy of the 3-base unit AAG starting at c.727; the reference has two copies in a row; one copy, 3 bases deleted.
Protein change: p.Lys244del; deletes lysine 244.
Molecular consequence: inframe deletion. On other transcripts: non-coding transcript variant (1).
Genome position (GRCh38, 1-based): chr19:5,711,909-5,711,911, CTT deleted on the plus strand (AAG on the coding strand, the reverse complement: LONP1 is on the minus strand); deleting any 3 consecutive bases within chr19:5,711,909-5,711,914 gives the same sequence; the position shown is the placement nearest the transcript's 3' end. VCF-style (leftmost placement, unchanged base first): chr19-5711908-CCTT-C. GRCh37 (hg19) VCF-style: chr19-5711919-CCTT-C.
Other names: c.535AAG[1], p.Lys180del (NM_001276479.2); c.139AAG[1], p.Lys48del (NM_001276480.1); c.730_732delAAG (NM_004793.3); short protein forms K244del, K180del, K48del.
Identifiers: ClinVar variation 445759 (VCV000445759.34), dbSNP rs560898148, ClinGen allele CA9114989.
Genomic context (GRCh38, chr19:5,711,908, plus strand): 5'-CAGGGGTGGGCTCCATCGCCAGCTCCGCCGGGTGCCTGGCGCTCAGCTCGTCCTCCGCCT[CCTT>C]CTTGCCCCGCTTTGACTTCCTGCGGGGCTTGTGCTTGTTCTCCGCCTCCGGCTCCTCGGG-3'

ClinVar aggregate classification (germline): Benign/Likely benign. Review status: criteria provided, multiple submitters, no conflicts (2 of 4 stars). 5 submissions from 5 submitters: Benign (1); Likely benign (3). 1 of the submissions does not count toward it. Last evaluated 2026-07-01.

Conditions:
LONP1-related disorder. Also called: LONP1-related disorders; LONP1-related condition.

Submissions (5):

CeGaT Center for Human Genetics Tuebingen
Classification: Likely benign. Last evaluated: 2026-07-01. Review status: criteria provided, single submitter. Criteria: CeGaT Center For Human Genetics Tuebingen Variant Classification Criteria Version 2. Collection method: clinical testing. Allele origin: germline. Affected: yes. Observed: 4 variant alleles.
Comment: LONP1: PM4:Supporting, BS1

Labcorp Genetics (formerly Invitae), Labcorp
Classification: Benign. Last evaluated: 2026-01-21. Review status: criteria provided, single submitter. Criteria: Invitae Variant Classification Sherloc (09022015). Collection method: clinical testing. Allele origin: germline.

Blueprint Genetics
Classification: Likely benign. Last evaluated: 2024-11-27. Review status: criteria provided, single submitter. Criteria: ACMG Guidelines, 2015. Collection method: clinical testing. Allele origin: germline.

Center for Pediatric Genomic Medicine, Children's Mercy Hospital and Clinics
Classification: Likely benign. Last evaluated: 2017-04-24. Review status: criteria provided, single submitter. Criteria: ACMG Guidelines, 2015. Collection method: clinical testing. Allele origin: germline.

PreventionGenetics, part of Exact Sciences
Classification: Benign for LONP1-related condition. Last evaluated: 2022-10-03. Review status: no assertion criteria provided. Collection method: clinical testing. Allele origin: germline. Not counted in ClinVar's aggregate classification.
Comment: This variant is classified as benign based on ACMG/AMP sequence variant interpretation guidelines (Richards et al. 2015 PMID: 25741868, with internal and published modifications).